The following is an entry in ClinVar:

ClinVar aggregate classification (germline): Uncertain significance. Review status: criteria provided, multiple submitters, no conflicts (2 of 4 stars). 2 submissions from 2 submitters: Uncertain significance (2). Last evaluated 2022-07-30.

Conditions:
Inborn genetic diseases. Identifiers: MedGen C0950123, MeSH D030342.
Kabuki syndrome 2 (KABUK2). Also called: KDM6A-Related Kabuki Syndrome. Identifiers: Orphanet 2322, MedGen C3275495, MONDO:0010465, OMIM 300867.

Allele frequency attached by ClinVar (database versions not stated): ExAC 0.00001.
gnomAD v4.1: 4 of 1,206,333 alleles (0.00033%); highest among the groups gnomAD compares: East Asian, 0.003%; no homozygotes.

Submissions (2):

Labcorp Genetics (formerly Invitae), Labcorp
Classification: Uncertain significance for Kabuki syndrome 2. Last evaluated: 2022-07-30. Review status: criteria provided, single submitter. Criteria: Invitae Variant Classification Sherloc (09022015). Collection method: clinical testing. Allele origin: germline.
Comment: This sequence change affects codon 1293 of the KDM6A mRNA. It is a 'silent' change, meaning that it does not change the encoded amino acid sequence of the KDM6A protein. It affects a nucleotide within the consensus splice site. This variant is present in population databases (rs748921036, gnomAD 0.008%). This variant has not been reported in the literature in individuals affected with KDM6A-related conditions. Algorithms developed to predict the effect of sequence changes on RNA splicing suggest that this variant is not likely to affect RNA splicing. In summary, the available evidence is currently insufficient to determine the role of this variant in disease. Therefore, it has been classified as a Variant of Uncertain Significance.

Ambry Genetics
Classification: Uncertain significance for Inborn genetic diseases. Last evaluated: 2021-10-15. Review status: criteria provided, single submitter. Criteria: Ambry Variant Classification Scheme 2023. Collection method: clinical testing. Allele origin: germline.
Comment: The c.3879G>A (p.K1293K) alteration is located in exon 27 (coding exon 27) of the KDM6A gene. This alteration consists of a G to A substitution at nucleotide position 3879. This nucleotide substitution does not change the amino acid at codon 1293. However, this change occurs in the last nucleotide of Exon 27 (c.3879_4005) which makes it likely to have some effect on normal mRNA splicing. Based on insufficient or conflicting evidence, the clinical significance of this alteration remains unclear.

NM_001291415.2(KDM6A):c.4035G>A (p.Lys1345=)

Gene: KDM6A (lysine demethylase 6A; plus strand). Cytogenetic location: Xp11.3.
Variant type: single nucleotide variant.
Coding change: c.4035G>A on transcript NM_001291415.2 (MANE Select); coding-DNA position 4035, G replaced by A.
Protein change: p.Lys1345=; no amino-acid change (lysine 1345 retained).
Molecular consequence: synonymous variant. On other transcripts: non-coding transcript variant (1).
Genome position (GRCh38, 1-based): chrX:45,107,410, G>A. VCF-style: chrX-45107410-G-A. GRCh37 (hg19) VCF-style: chrX-44966655-G-A.
Other names: c.3900G>A, p.Lys1300= (NM_001291416.2); c.3744G>A, p.Lys1248= (NM_001291417.2); c.3642G>A, p.Lys1214= (NM_001291418.2); c.2991G>A, p.Lys997= (NM_001291421.2); c.3777G>A, p.Lys1259= (NM_001410742.1); c.3879G>A, p.Lys1293= (NM_021140.4).
Identifiers: ClinVar variation 2078475 (VCV002078475.2), dbSNP rs748921036, ClinGen allele CA10392772.
Genomic context (GRCh38, chrX:45,107,410, plus strand): 5'-TTATGCTAAAAATATTCAATATTCAGTTGCTGGTCACAAATAATTTCTCCCCCACAATAG[G>A]TATTGTCTTCTAAGAACTCTGAAGCAATGTCAGACATTGAGGGAAGCTCTCATTGCTGCA-3'
Protein context (NP_001278344.1, residues 1335-1355): VSDPKLFEMI[Lys1345=]YCLLRTLKQC